The following is an entry in ClinVar:

ClinVar aggregate classification (germline): Pathogenic. Review status: criteria provided, multiple submitters, no conflicts (2 of 4 stars). 2 submissions from 2 submitters: Pathogenic (2). Last evaluated 2023-05-31.

Conditions:
Nemaline myopathy 2 (NEM2). Also called: Nemaline myopathy 2, autosomal recessive. Identifiers: MedGen C1850569, MONDO:0009725, OMIM 256030.

Allele frequency attached by ClinVar (database versions not stated): TOPMed 0.00001.

Submissions (2):

Labcorp Genetics (formerly Invitae), Labcorp
Classification: Pathogenic for Nemaline myopathy 2. Last evaluated: 2023-05-31. Review status: criteria provided, single submitter. Criteria: Invitae Variant Classification Sherloc (09022015). Collection method: clinical testing. Allele origin: germline.
Comment: For these reasons, this variant has been classified as Pathogenic. Algorithms developed to predict the effect of sequence changes on RNA splicing suggest that this variant may disrupt the consensus splice site. ClinVar contains an entry for this variant (Variation ID: 986357). Disruption of this splice site has been observed in individual(s) with congenital nemaline myopathy and/or fetal akinesia deformation sequence/lethal multiple pterygium syndrome (PMID: 25740301, 28336317). This variant is not present in population databases (gnomAD no frequency). This sequence change affects a donor splice site in intron 73 of the NEB gene. It is expected to disrupt RNA splicing. Variants that disrupt the donor or acceptor splice site typically lead to a loss of protein function (PMID: 16199547), and loss-of-function variants in NEB are known to be pathogenic (PMID: 25205138).

Rady Children's Institute for Genomic Medicine, Rady Children's Hospital San Diego
Classification: Pathogenic for NEMALINE MYOPATHY 2. Last evaluated: 2019-05-15. Review status: criteria provided, single submitter. Criteria: ACMG Guidelines, 2015. Collection method: clinical testing. Allele origin: germline. Affected: yes.
Comment: This variant affects the canonical splice donor site of intron 73 and is therefore predicted to interfere with splicing and result in loss of normal protein function. This variant has not been previously reported or functionally characterized in the literature to our knowledge. A different variant at the same position (c.10872+1G>T) has been reported in the homozygous state in a patient with fetal akinesia (PMID: 28336317). Multiple splice prediction tools suggest this variant is likely to interfere with normal splicing. Based on the available evidence, the c.10872+1G>A variant is classified as a Pathogenic.

Literature cited by the submitters: PubMed 25740301 (cited by Labcorp Genetics (formerly Invitae), Labcorp); PubMed 28336317 (cited by Labcorp Genetics (formerly Invitae), Labcorp); PubMed 16199547 (cited by Labcorp Genetics (formerly Invitae), Labcorp); PubMed 25205138 (cited by Labcorp Genetics (formerly Invitae), Labcorp).

NM_001164508.2(NEB):c.10872+1G>A

Gene: NEB (nebulin; minus strand). Cytogenetic location: 2q23.3.
Variant type: single nucleotide variant.
Coding change: c.10872+1G>A on transcript NM_001164508.2 (MANE Select); the canonical splice donor site of the intron after coding-DNA position 10872, G replaced by A.
Molecular consequence: splice donor variant.
Genome position (GRCh38, 1-based): chr2:151,619,450, C>T on the plus strand (G>A on the coding strand, the complement: NEB is on the minus strand). VCF-style: chr2-151619450-C-T. GRCh37 (hg19) VCF-style: chr2-152475964-C-T.
Other names: c.10143+1G>A (NM_004543.5); c.10872+1G>A (NM_001164507.2, NM_001271208.2).
Identifiers: ClinVar variation 986357 (VCV000986357.4), dbSNP rs1336053002, ClinGen allele CA348787370.
Genomic context (GRCh38, chr2:151,619,450, plus strand): 5'-AACTCACAGACACGTTTCAGATCCGCTTTTAACATGCAGAGCTAACATCAAGGAAACTTA[C>T]GTCACTCTGGAGGTCATAGGCTTTCCGTGCATGAATGATGTCATTCTGGTCGGGCAGGCA-3'